The following is an entry in ClinVar:

ClinVar aggregate classification (germline): Uncertain significance (1 of 4 stars; one submission).

Conditions:
Hereditary spastic paraplegia 39 (SPG39). Also called: Spastic Paraplegia Type 39 (SPG39); SPASTIC PARAPLEGIA 39, AUTOSOMAL RECESSIVE. Identifiers: Orphanet 139480, MedGen C2677586, MONDO:0012787, OMIM 612020.

gnomAD v4.1: 1 of 1,613,970 alleles (0.000062%); highest among the groups gnomAD compares: South Asian, 0.0011%; no homozygotes.

Submission:

Labcorp Genetics (formerly Invitae), Labcorp
Classification: Uncertain significance for Hereditary spastic paraplegia 39. Last evaluated: 2018-05-04. Review status: criteria provided, single submitter. Criteria: Invitae Variant Classification Sherloc (09022015). Collection method: clinical testing. Allele origin: germline.
Comment: In summary, the available evidence is currently insufficient to determine the role of this variant in disease. Therefore, it has been classified as a Variant of Uncertain Significance. Algorithms developed to predict the effect of missense changes on protein structure and function (SIFT, PolyPhen-2, Align-GVGD) all suggest that this variant is likely to be tolerated, but these predictions have not been confirmed by published functional studies and their clinical significance is uncertain. This variant has not been reported in the literature in individuals with PNPLA6-related disease. This variant is not present in population databases (ExAC no frequency). This sequence change replaces aspartic acid with asparagine at codon 521 of the PNPLA6 protein (p.Asp521Asn). The aspartic acid residue is moderately conserved and there is a small physicochemical difference between aspartic acid and asparagine.

NM_001166114.2(PNPLA6):c.1678G>A (p.Asp560Asn)

Gene: PNPLA6 (patatin like domain 6, lysophospholipase; plus strand). Cytogenetic location: 19p13.2.
Variant type: single nucleotide variant.
Coding change: c.1678G>A on transcript NM_001166114.2 (MANE Select); coding-DNA position 1678, G replaced by A.
Protein change: p.Asp560Asn; replaces aspartic acid 560 with asparagine.
Molecular consequence: missense variant.
Genome position (GRCh38, 1-based): chr19:7,549,976, G>A. VCF-style: chr19-7549976-G-A. GRCh37 (hg19) VCF-style: chr19-7614862-G-A.
Other names: c.1705G>A, p.Asp569Asn (NM_001166111.2); c.1483G>A, p.Asp495Asn (NM_001166112.2); c.1561G>A, p.Asp521Asn (NM_001166113.1, NM_006702.5); short protein forms D521N, D495N, D569N, D560N.
Identifiers: ClinVar variation 573712 (VCV000573712.8), dbSNP rs1568415448, ClinGen allele CA403119498.
Genomic context (GRCh38, chr19:7,549,976, plus strand): 5'-CTGCACTTCGTGCTCTGGGGCTGCCTGCACGTGTACCAGCGCATGATCGACAAGGCGGAG[G>A]ACGTGTGCCTGTTCGTAGCGCAGCCCGGGGAACTGGTGGGGCAGCTGGCGGTGCTCACTG-3'
Protein context (NP_001159586.1, residues 550-570): VYQRMIDKAE[Asp560Asn]VCLFVAQPGE